The following is an entry in ClinVar:

NM_018062.4(FANCL):c.682del (p.Ile228fs)

Gene: FANCL (FA complementation group L; minus strand). Cytogenetic location: 2p16.1.
Variant type: Deletion.
Coding change: c.682del on transcript NM_018062.4 (MANE Select); coding-DNA position 682, one base deleted (A; older notation c.682delA).
Protein change: p.Ile228fs; shifts the reading frame from isoleucine 228.
Molecular consequence: frameshift variant.
Genome position (GRCh38, 1-based): chr2:58,165,733, T deleted on the plus strand (A on the coding strand, the reverse complement: FANCL is on the minus strand); the first of 2 consecutive T bases (chr2:58,165,733-58,165,734); deleting either gives the same sequence. VCF-style (leftmost placement, unchanged base first): chr2-58165732-AT-A. GRCh37 (hg19) VCF-style: chr2-58392867-AT-A.
Other names: c.696delA, p.Ile233Leufs (NM_001114636.2); c.727del, p.Ile243fs (NM_001374615.1); c.742del, p.Ile248fs (NM_001410792.1); short protein forms I233fs, I248fs, I228fs, I243fs.
Identifiers: ClinVar variation 2844620 (VCV002844620.3), dbSNP rs2466653166, ClinGen allele CA2739274475.
Genomic context (GRCh38, chr2:58,165,732, plus strand): 5'-TAATACAAAATAAAACACCTAAAAACAAACCCTTAATCCTCCTTGTCCCTACCTAATGCA[AT>A]TCTGCGTGCTGTTGCACTCCGTGGAGGTTTTTCTGGCTCAAGTACCCAGGTCTTCTCATC-3'

ClinVar aggregate classification (germline): Pathogenic (1 of 4 stars; one submission).

Conditions:
Fanconi anemia (FA). Also called: Fanconi's anemia. Identifiers: Orphanet 84, MedGen C0015625, MeSH D005199, MONDO:0019391.

Submission:

Labcorp Genetics (formerly Invitae), Labcorp
Classification: Pathogenic for Fanconi anemia. Last evaluated: 2023-03-09. Review status: criteria provided, single submitter. Criteria: Invitae Variant Classification Sherloc (09022015). Collection method: clinical testing. Allele origin: germline.
Comment: This sequence change creates a premature translational stop signal (p.Ile228Leufs*3) in the FANCL gene. It is expected to result in an absent or disrupted protein product. Loss-of-function variants in FANCL are known to be pathogenic (PMID: 19405097, 23613520). For these reasons, this variant has been classified as Pathogenic. This variant has not been reported in the literature in individuals affected with FANCL-related conditions. This variant is not present in population databases (gnomAD no frequency).

Literature cited by the submitters: PubMed 19405097; PubMed 23613520.